The following is an entry in ClinVar:

ClinVar aggregate classification (germline): Benign (1 of 4 stars; one submission).

Allele frequency attached by ClinVar (database versions not stated): TOPMed 0.56452; 1000 Genomes Project 0.49461; 1000 Genomes Project 30x 0.49766; gnomAD 0.57883.
gnomAD v4.1: 88,529 of 151,680 alleles (58%); highest among the groups gnomAD compares: Non-Finnish European, 71%; 27,421 homozygotes.

Submission:

GeneDx
Classification: Benign. Last evaluated: 2018-06-18. Review status: criteria provided, single submitter. Criteria: GeneDx Variant Classification (06012015). Collection method: clinical testing. Allele origin: germline. Affected: yes.
Comment: This variant is considered likely benign or benign based on one or more of the following criteria: it is a conservative change, it occurs at a poorly conserved position in the protein, it is predicted to be benign by multiple in silico algorithms, and/or has population frequency not consistent with disease.

NM_007078.3(LDB3):c.689+4181C>T

Genes: LDB3 (LIM domain binding 3; plus strand), LOC110121486 (VISTA enhancer hs2143; plus strand). Cytogenetic location: 10q23.2.
Variant type: single nucleotide variant.
Coding change: c.689+4181C>T on transcript NM_007078.3 (MANE Select); 4181 bases into the intron after coding-DNA position 689, C replaced by T.
Molecular consequence: intron variant.
Genome position (GRCh38, 1-based): chr10:86,685,984, C>T. VCF-style: chr10-86685984-C-T. GRCh37 (hg19) VCF-style: chr10-88445741-C-T.
Other names: c.689+4181C>T (NM_001368064.1, NM_001368063.1, NM_001368065.1 and 1 more transcripts); c.344+284C>T (NM_001368068.1, NM_001368066.1, NM_001080114.2 and 2 more transcripts); c.690-1085C>T (NM_001171610.2, NM_001171611.2).
Identifiers: ClinVar variation 683610 (VCV000683610.1), dbSNP rs3802662, ClinGen allele CA13337124.